The following is an entry in ClinVar:

ClinVar aggregate classification (germline): Pathogenic (1 of 4 stars; one submission).

Conditions:
Hereditary cancer-predisposing syndrome. Also called: Tumor predisposition; Hereditary neoplastic syndrome; Neoplastic Syndromes, Hereditary; Hereditary Cancer Syndrome. Identifiers: Orphanet 140162, MedGen C0027672, MeSH D009386, MONDO:0015356.

Submission:

Ambry Genetics
Classification: Pathogenic for Hereditary cancer-predisposing syndrome. Last evaluated: 2023-05-19. Review status: criteria provided, single submitter. Criteria: Ambry Variant Classification Scheme 2023. Collection method: clinical testing. Allele origin: germline.
Comment: The c.1474_1475delAAinsG pathogenic mutation, located in coding exon 10 of the FLCN gene, results from the deletion of two nucleotides and insertion of one nucleotide causing a translational frameshift with a predicted alternate stop codon (p.N492Afs*21). This alteration occurs at the 3' terminus of the FLCN gene, is not expected to trigger nonsense-mediated mRNA decay, and only impacts the last 68 amino acids of the protein. However, premature stop codons are typically deleterious in nature and the impacted region is critical for protein function (Ambry internal data). Other alterations predicted to result in 3' terminus truncation have been detected in individuals who met clinical diagnostic criteria for Birt-Hogg-Dub&eacute; Syndrome (Schmidt LS et al. Am. J. Hum. Genet. 2005 Jun;76:1023-33; Lim DH et al. Hum. Mutat. 2010 Jan;31(1):E1043-51; Ambry internal data). In addition, this variant is considered to be rare based on population cohorts in the Genome Aggregation Database (gnomAD). Based on the supporting evidence, this alteration is interpreted as a disease-causing mutation.

NM_144997.7(FLCN):c.1474_1475delinsG (p.Asn492fs)

Gene: FLCN (folliculin; minus strand). Cytogenetic location: 17p11.2.
Variant type: Indel.
Coding change: c.1474_1475delinsG on transcript NM_144997.7 (MANE Select); coding-DNA positions 1474 to 1475, AA replaced by G.
Protein change: p.Asn492fs; shifts the reading frame from asparagine 492.
Molecular consequence: frameshift variant.
Genome position (GRCh38, 1-based): chr17:17,215,048-17,215,049, TT replaced by C on the plus strand (AA replaced by G on the coding strand, the reverse complement: FLCN is on the minus strand). VCF-style: chr17-17215048-TT-C. GRCh37 (hg19) VCF-style: chr17-17118362-TT-C.
Other names: c.1528_1529delinsG, p.Asn510fs (NM_001353229.2); c.1474_1475delinsG, p.Asn492fs (NM_001353230.2, NM_001353231.2); short protein forms N510fs, N492fs.
Identifiers: ClinVar variation 819299 (VCV000819299.5), dbSNP rs1597578868, ClinGen allele CA915949598.